The following is an entry in ClinVar:

NM_001009944.3(PKD1):c.1154T>C (p.Leu385Pro)

Gene: PKD1 (polycystin 1, transient receptor potential channel interacting; minus strand). Cytogenetic location: 16p13.3.
Variant type: single nucleotide variant.
Coding change: c.1154T>C on transcript NM_001009944.3 (MANE Select); coding-DNA position 1154, T replaced by C.
Protein change: p.Leu385Pro; replaces leucine 385 with proline.
Molecular consequence: missense variant.
Genome position (GRCh38, 1-based): chr16:2,117,838, A>G on the plus strand (T>C on the coding strand, the complement: PKD1 is on the minus strand). VCF-style: chr16-2117838-A-G. GRCh37 (hg19) VCF-style: chr16-2167839-A-G.
Other names: c.1154T>C, p.Leu385Pro (NM_000296.4); short protein forms L385P.
Identifiers: ClinVar variation 974396 (VCV000974396.3), dbSNP rs2092665731, ClinGen allele CA394393080.

ClinVar aggregate classification (germline): Conflicting classifications of pathogenicity. Review status: criteria provided, conflicting classifications (1 of 4 stars). 3 submissions from 3 submitters: Likely pathogenic (1); Uncertain significance (1). 1 of the submissions does not count toward it. Last evaluated 2024-06-03.

Conditions:
Polycystic kidney disease, adult type (PKD1). Also called: POLYCYSTIC KIDNEY DISEASE, ADULT, TYPE I; Polycystic Kidney Disease 1, Autosomal Dominant; Polycystic kidney disease 1; Polycystic kidney disease 1, severe; Polycystic Kidney, Autosomal Dominant; POLYCYSTIC KIDNEY DISEASE 1 WITH OR WITHOUT POLYCYSTIC LIVER DISEASE. Identifiers: MedGen C3149841, MONDO:0008263, OMIM 173900.
Polycystic kidney disease. Also called: Polycystic kidney dysplasia; Kidney, Polycystic. Identifiers: MedGen C0022680, MeSH D007690, MONDO:0020642, HP:0000113.

Submissions (3):

Fulgent Genetics
Classification: Uncertain significance for Polycystic kidney disease, adult type. Last evaluated: 2024-06-03. Review status: criteria provided, single submitter. Criteria: ACMG Guidelines, 2015. Collection method: clinical testing. Allele origin: germline.

Molecular Biology Laboratory, Fundació Puigvert
Classification: Likely pathogenic for Polycystic kidney disease, adult type. Last evaluated: 2020-02-01. Review status: criteria provided, single submitter. Criteria: ACMG Guidelines, 2015. Collection method: research. Allele origin: paternal. Affected: yes. Study: KidneyPanel_2020.

Department of Pathology and Laboratory Medicine, Sinai Health System
Classification: Uncertain significance for Polycystic Kidney disease. Review status: no assertion criteria provided. Collection method: clinical testing. Allele origin: unknown. Affected: yes. Study: The Canadian Open Genetics Repository (COGR). Not counted in ClinVar's aggregate classification.
Comment: PKD1, EXON05, c.1154T>C, p.Leu385Pro, Heterozygous, Uncertain SignificancernThe PKD1 p.Leu385Pro variant was not identified in the literature nor was it identified in the following databases: dbSNP, ClinVar, LOVD 3.0, ADPKD Mutation Database, or PKD1-LOVD. The variant was not identified in the following control databases: the Exome Aggregation Consortium (August 8th 2016), or the Genome Aggregation Database (Feb 27, 2017). The p.Leu385 residue is conserved in mammals and computational analyses (PolyPhen-2, SIFT, AlignGVGD, BLOSUM, MutationTaster) provide inconsistent predictions regarding the impact to the protein; this information is not very predictive of pathogenicity. The variant occurs outside of the splicing consensus sequence and 1 of 4 in silico or computational prediction software programs (SpliceSiteFinder, MaxEntScan, NNSPLICE, GeneSplicer) predict a greater than 10% difference in splicing; this is not very predictive of pathogenicity. In summary, based on the above information the clinical significance of this variant cannot be determined with certainty at this time. This variant is classified as a variant of uncertain significance. Assessment Date: 2019/06/26.

Literature cited by the submitters: PubMed 33532864 (cited by Molecular Biology Laboratory, Fundació Puigvert).